The following is an entry in ClinVar:

ClinVar aggregate classification (germline): Uncertain significance (1 of 4 stars; one submission).

Allele frequency attached by ClinVar (database versions not stated): gnomAD 0.00007; ESP Exome Variant Server 0.00008; 1000 Genomes Project 30x 0.00016; 1000 Genomes Project 0.00040; ExAC 0.00011.
gnomAD v4.1: 62 of 1,614,084 alleles (0.0038%); highest among the groups gnomAD compares: East Asian, 0.078%; no homozygotes.

Submission:

Labcorp Genetics (formerly Invitae), Labcorp
Classification: Uncertain significance. Last evaluated: 2023-11-15. Review status: criteria provided, single submitter. Criteria: Invitae Variant Classification Sherloc (09022015). Collection method: clinical testing. Allele origin: germline.
Comment: This sequence change replaces glutamic acid, which is acidic and polar, with lysine, which is basic and polar, at codon 1213 of the ARHGEF10 protein (p.Glu1213Lys). This variant is present in population databases (rs201700871, gnomAD 0.1%), and has an allele count higher than expected for a pathogenic variant. This variant has not been reported in the literature in individuals affected with ARHGEF10-related conditions. ClinVar contains an entry for this variant (Variation ID: 2046813). Advanced modeling of protein sequence and biophysical properties (such as structural, functional, and spatial information, amino acid conservation, physicochemical variation, residue mobility, and thermodynamic stability) performed at Invitae indicates that this missense variant is not expected to disrupt ARHGEF10 protein function with a negative predictive value of 80%. In summary, the available evidence is currently insufficient to determine the role of this variant in disease. Therefore, it has been classified as a Variant of Uncertain Significance.

NM_014629.4(ARHGEF10):c.3637G>A (p.Glu1213Lys)

Gene: ARHGEF10 (Rho guanine nucleotide exchange factor 10; plus strand). Cytogenetic location: 8p23.3.
Variant type: single nucleotide variant.
Coding change: c.3637G>A on transcript NM_014629.4 (MANE Select); coding-DNA position 3637, G replaced by A.
Protein change: p.Glu1213Lys; replaces glutamic acid 1213 with lysine.
Molecular consequence: missense variant.
Genome position (GRCh38, 1-based): chr8:1,956,865, G>A. VCF-style: chr8-1956865-G-A. GRCh37 (hg19) VCF-style: chr8-1905031-G-A.
Other names: c.3523G>A, p.Glu1175Lys (NM_001308152.2); c.3637G>A, p.Glu1213Lys (NM_001308153.3); short protein forms E1175K, E1213K, E1237K.
Identifiers: ClinVar variation 2046813 (VCV002046813.4), dbSNP rs201700871, ClinGen allele CA4601448.